The following is an entry in ClinVar:

ClinVar aggregate classification (germline): Uncertain significance (1 of 4 stars; one submission).

Allele frequency attached by ClinVar (database versions not stated): gnomAD exomes below 0.00001.
gnomAD v4.1: 6 of 1,613,804 alleles (0.00037%); highest among the groups gnomAD compares: Admixed American, 0.0033%; no homozygotes.

Submission:

Labcorp Genetics (formerly Invitae), Labcorp
Classification: Uncertain significance. Last evaluated: 2021-06-13. Review status: criteria provided, single submitter. Criteria: Invitae Variant Classification Sherloc (09022015). Collection method: clinical testing. Allele origin: germline.
Comment: Algorithms developed to predict the effect of missense changes on protein structure and function are either unavailable or do not agree on the potential impact of this missense change (SIFT: "Tolerated"; PolyPhen-2: "Possibly Damaging"; Align-GVGD: "Class C0"). In summary, the available evidence is currently insufficient to determine the role of this variant in disease. Therefore, it has been classified as a Variant of Uncertain Significance. This variant has not been reported in the literature in individuals with SBF1-related conditions. This variant is not present in population databases (ExAC no frequency). This sequence change replaces aspartic acid with asparagine at codon 1755 of the SBF1 protein (p.Asp1755Asn). The aspartic acid residue is weakly conserved and there is a small physicochemical difference between aspartic acid and asparagine.

NM_002972.4(SBF1):c.5263G>A (p.Asp1755Asn)

Gene: SBF1 (SET binding factor 1; minus strand). Cytogenetic location: 22q13.33.
Variant type: single nucleotide variant.
Coding change: c.5263G>A on transcript NM_002972.4 (MANE Select); coding-DNA position 5263, G replaced by A.
Protein change: p.Asp1755Asn; replaces aspartic acid 1755 with asparagine.
Molecular consequence: missense variant.
Genome position (GRCh38, 1-based): chr22:50,448,333, C>T on the plus strand (G>A on the coding strand, the complement: SBF1 is on the minus strand). VCF-style: chr22-50448333-C-T. GRCh37 (hg19) VCF-style: chr22-50886762-C-T.
Other names: c.5188G>A, p.Asp1730Asn (NM_001365819.1); short protein forms D1730N, D1755N.
Identifiers: ClinVar variation 1525613 (VCV001525613.8), dbSNP rs1240252021, ClinGen allele CA412186824.